The following is an entry in ClinVar:

ClinVar aggregate classification (germline): Uncertain significance (1 of 4 stars; one submission).

Submission:

Labcorp Genetics (formerly Invitae), Labcorp
Classification: Uncertain significance. Last evaluated: 2025-09-10. Review status: criteria provided, single submitter. Criteria: Invitae Variant Classification Sherloc (09022015). Collection method: clinical testing. Allele origin: germline.
Comment: This sequence change replaces aspartic acid, which is acidic and polar, with asparagine, which is neutral and polar, at codon 211 of the CCT2 protein (p.Asp211Asn). This variant is not present in population databases (gnomAD no frequency). This variant has not been reported in the literature in individuals affected with CCT2-related conditions. An algorithm developed to predict the effect of missense changes on protein structure and function (PolyPhen-2) suggests that this variant is likely to be disruptive. In summary, the available evidence is currently insufficient to determine the role of this variant in disease. Therefore, it has been classified as a Variant of Uncertain Significance.

NM_006431.3(CCT2):c.631G>A (p.Asp211Asn)

Gene: CCT2 (chaperonin containing TCP1 subunit 2; plus strand). Cytogenetic location: 12q15.
Variant type: single nucleotide variant.
Coding change: c.631G>A on transcript NM_006431.3 (MANE Select); coding-DNA position 631, G replaced by A.
Protein change: p.Asp211Asn; replaces aspartic acid 211 with asparagine.
Molecular consequence: missense variant.
Genome position (GRCh38, 1-based): chr12:69,589,669, G>A. VCF-style: chr12-69589669-G-A. GRCh37 (hg19) VCF-style: chr12-69983449-G-A.
Other names: c.490G>A, p.Asp164Asn (NM_001198842.2); short protein forms D164N, D211N.
Identifiers: ClinVar variation 4727029 (VCV004727029.1).